The following is an entry in ClinVar:

ClinVar aggregate classification (germline): Likely pathogenic. Review status: criteria provided, multiple submitters, no conflicts (2 of 4 stars). 3 submissions from 3 submitters: Likely pathogenic (2). 1 of the submissions does not count toward it. Last evaluated 2023-11-01.

Conditions:
Retinal dystrophy. Also called: Inherited retinal dystrophy. Identifiers: Orphanet 71862, MedGen C0854723, MeSH D058499, MONDO:0019118, HP:0000556.

Submissions (4):

CeGaT Center for Human Genetics Tuebingen
Classification: Likely pathogenic. Last evaluated: 2023-11-01. Review status: criteria provided, single submitter. Criteria: CeGaT Center For Human Genetics Tuebingen Variant Classification Criteria Version 2. Collection method: clinical testing. Allele origin: germline. Affected: yes. Observed: 1 variant allele.
Comment: RS1: PM2, PM5, PP3, PP4

Labcorp Genetics (formerly Invitae), Labcorp
Classification: Likely pathogenic. Last evaluated: 2022-06-15. Review status: criteria provided, single submitter. Criteria: Invitae Variant Classification Sherloc (09022015). Collection method: clinical testing. Allele origin: germline.
Comment: This sequence change replaces glycine, which is neutral and non-polar, with cysteine, which is neutral and slightly polar, at codon 70 of the RS1 protein (p.Gly70Cys). This variant is not present in population databases (gnomAD no frequency). This variant has not been reported in the literature in individuals affected with RS1-related conditions. Advanced modeling of protein sequence and biophysical properties (such as structural, functional, and spatial information, amino acid conservation, physicochemical variation, residue mobility, and thermodynamic stability) performed at Invitae indicates that this missense variant is expected to disrupt RS1 protein function. This variant disrupts the p.Gly70 amino acid residue in RS1. Other variant(s) that disrupt this residue have been determined to be pathogenic (PMID: 9618178, 12417531, 16361673, 28559085, 29902095). This suggests that this residue is clinically significant, and that variants that disrupt this residue are likely to be disease-causing. In summary, the currently available evidence indicates that the variant is pathogenic, but additional data are needed to prove that conclusively. Therefore, this variant has been classified as Likely Pathogenic.

Institute of Human Genetics, Univ. Regensburg, Univ. Regensburg
Classification: Likely pathogenic for Retinal dystrophy. Last evaluated: 2021-01-01. Review status: no assertion criteria provided. Criteria: ACMG Guidelines, 2015. Collection method: clinical testing. Allele origin: germline. Affected: yes. Not counted in ClinVar's aggregate classification.

Dr. Peter K. Rogan Lab, Western University
No classification provided (evidence only). Condition: Thyroid cancer, nonmedullary, 1. Review status: no classification provided. Collection method: in vitro. Allele origin: not applicable. Functional consequence: retained intron. Not counted in ClinVar's aggregate classification.

Literature cited by the submitters: PubMed 9618178 (cited by Labcorp Genetics (formerly Invitae), Labcorp); PubMed 12417531 (cited by Labcorp Genetics (formerly Invitae), Labcorp); PubMed 16361673 (cited by Labcorp Genetics (formerly Invitae), Labcorp); PubMed 28559085 (cited by Labcorp Genetics (formerly Invitae), Labcorp); PubMed 29902095 (cited by Labcorp Genetics (formerly Invitae), Labcorp).

NM_000330.4(RS1):c.208G>T (p.Gly70Cys)

Genes: CDKL5 (cyclin dependent kinase like 5; plus strand), RS1 (retinoschisin 1; minus strand). Cytogenetic location: Xp22.13.
Variant type: single nucleotide variant.
Coding change: c.208G>T on transcript NM_000330.4 (MANE Select); coding-DNA position 208, G replaced by T.
Protein change: p.Gly70Cys; replaces glycine 70 with cysteine.
Molecular consequence: missense variant. On other transcripts: intron variant (2).
Genome position (GRCh38, 1-based): chrX:18,647,309, C>A on the plus strand (G>T on the coding strand, the complement: RS1 is on the minus strand). VCF-style: chrX-18647309-C-A. GRCh37 (hg19) VCF-style: chrX-18665429-C-A.
Other names: c.2797+1219C>A (NM_003159.3, NM_001037343.2); short protein forms G70C.
Identifiers: ClinVar variation 2007231 (VCV002007231.27), dbSNP rs62645894, ClinGen allele CA412372969.
Genomic context (GRCh38, chrX:18,647,309, plus strand): 5'-CATACTGCTCCGGGTTAGAGCAGGTGATCTGGTCCGGTGTGACCTCCCCTGACTCGAAAC[C>A]CAGAGGCTTGTGATATGGGCATTCTGGGAAAGGAAAAAGAATTCACATTCACACATATCT-3'
Protein context (NP_000321.1, residues 60-80): IPECPYHKPL[Gly70Cys]FESGEVTPDQ